The following is an entry in ClinVar:

NM_001083962.2(TCF4):c.1756G>A (p.Glu586Lys)

Gene: TCF4 (transcription factor 4; minus strand). Cytogenetic location: 18q21.2.
Variant type: single nucleotide variant.
Coding change: c.1756G>A on transcript NM_001083962.2 (MANE Select); coding-DNA position 1756, G replaced by A.
Protein change: p.Glu586Lys; replaces glutamic acid 586 with lysine.
Molecular consequence: missense variant.
Genome position (GRCh38, 1-based): chr18:55,228,970, C>T on the plus strand (G>A on the coding strand, the complement: TCF4 is on the minus strand). VCF-style: chr18-55228970-C-T. GRCh37 (hg19) VCF-style: chr18-52896201-C-T.
Other names: c.2062G>A, p.Glu688Lys (NM_001243226.3); c.1684G>A, p.Glu562Lys (NM_001243227.2, NM_001369575.1, NM_001348217.1 and 1 more transcripts); c.1774G>A, p.Glu592Lys (NM_001243228.2); c.1735G>A, p.Glu579Lys (NM_001243230.2); c.1618G>A, p.Glu540Lys (NM_001243231.2); c.1543G>A, p.Glu515Lys (NM_001243232.1); c.1354G>A, p.Glu452Lys (NM_001243233.2, NM_001348212.2); c.1276G>A, p.Glu426Lys (NM_001243234.2, NM_001348216.2); and 14 more; short protein forms E561K, E579K, E421K, E422K, E456K, E544K, E558K, E582K.
Identifiers: ClinVar variation 2730932 (VCV002730932.3), dbSNP rs1555710544, ClinGen allele CA402528867.

ClinVar aggregate classification (germline): Uncertain significance (1 of 4 stars; one submission).

Conditions:
Pitt-Hopkins syndrome (PTHS). Also called: ENCEPHALOPATHY, SEVERE EPILEPTIC, WITH AUTONOMIC DYSFUNCTION; MENTAL RETARDATION, SYNDROMAL, WITH INTERMITTENT HYPERVENTILATION. Identifiers: Orphanet 2896, MedGen C1970431, MONDO:0012589, OMIM 610954.

Submission:

Labcorp Genetics (formerly Invitae), Labcorp
Classification: Uncertain significance for Pitt-Hopkins syndrome. Last evaluated: 2023-06-27. Review status: criteria provided, single submitter. Criteria: Invitae Variant Classification Sherloc (09022015). Collection method: clinical testing. Allele origin: germline.
Comment: In summary, the available evidence is currently insufficient to determine the role of this variant in disease. Therefore, it has been classified as a Variant of Uncertain Significance. Advanced modeling of protein sequence and biophysical properties (such as structural, functional, and spatial information, amino acid conservation, physicochemical variation, residue mobility, and thermodynamic stability) has been performed at Invitae for this missense variant, however the output from this modeling did not meet the statistical confidence thresholds required to predict the impact of this variant on TCF4 protein function. This variant has not been reported in the literature in individuals affected with TCF4-related conditions. This variant is not present in population databases (gnomAD no frequency). This sequence change replaces glutamic acid, which is acidic and polar, with lysine, which is basic and polar, at codon 586 of the TCF4 protein (p.Glu586Lys).